The following is an entry in ClinVar:

GRCh38/hg38 16p11.2(chr16:29086504-30333716)x3

Genes: CDIPT (CDP-diacylglycerol--inositol 3-phosphatidyltransferase; minus strand), ALDOA (aldolase, fructose-bisphosphate A; plus strand), ASPHD1 (aspartate beta-hydroxylase domain containing 1; plus strand), BOLA2 (bolA family member 2; minus strand), BOLA2-SMG1P6 (BOLA2-SMG1P6 readthrough; minus strand) and 125 more. Cytogenetic location: 16p11.2.
Variant type: copy number gain.
Change: copy number 3 (three copies instead of two) of chr16:29,086,504-30,333,716 (1.25 Mb, GRCh38 coordinates, 1-based), cytogenetic band 16p11.2.
Identifiers: ClinVar variation 60447 (VCV000060447.4).

ClinVar aggregate classification (germline): Pathogenic (0 of 4 stars; one submission).

Submission:

ISCA Site 6
Classification: Pathogenic. Last evaluated: 2018-02-05. Review status: no assertion criteria provided. Collection method: clinical testing. Allele origin: unknown. Affected: yes. Observed: 1 variant allele.
Comment: includes 16p11.2 recurrent region (includes TBX6) (proximal region) (BP4-BP5) (hg19 chr16: 29,649,996-30,199,855, enriched in cases with ID/DD, MCA etc vs controls, ClinGen triplosensitivity score = 3)

Copy number variation identified through the course of routine clinical cytogenomic testing in postnatal populations. Clinical assertions have been curated as described in Kaminsky et al. 2011.

Copy number variation identified through the course of routine clinical cytogenomic testing in postnatal populations. Clinical assertions have been curated as described in Kaminsky, et al. 2011 (PubMed 21844811). For additional ClinGen data, please see nstd37.